The following is an entry in ClinVar:

ClinVar aggregate classification (germline): Uncertain significance (1 of 4 stars; one submission).

Conditions:
Duchenne muscular dystrophy (DMD). Also called: MUSCULAR DYSTROPHY, PSEUDOHYPERTROPHIC PROGRESSIVE, DUCHENNE TYPE; Duchenne Muscular Dystrophy (DMD). Identifiers: Orphanet 98896, MedGen C0013264, MONDO:0010679, OMIM 310200.

Submission:

Labcorp Genetics (formerly Invitae), Labcorp
Classification: Uncertain significance for Duchenne muscular dystrophy. Last evaluated: 2024-01-13. Review status: criteria provided, single submitter. Criteria: Invitae Variant Classification Sherloc (09022015). Collection method: clinical testing. Allele origin: germline.
Comment: This sequence change replaces serine, which is neutral and polar, with phenylalanine, which is neutral and non-polar, at codon 3639 of the DMD protein (p.Ser3639Phe). This variant is not present in population databases (gnomAD no frequency). This variant has not been reported in the literature in individuals affected with DMD-related conditions. Advanced modeling of protein sequence and biophysical properties (such as structural, functional, and spatial information, amino acid conservation, physicochemical variation, residue mobility, and thermodynamic stability) performed at Invitae indicates that this missense variant is not expected to disrupt DMD protein function with a negative predictive value of 95%. In summary, the available evidence is currently insufficient to determine the role of this variant in disease. Therefore, it has been classified as a Variant of Uncertain Significance.

NM_004006.3(DMD):c.10916C>T (p.Ser3639Phe)

Gene: DMD (dystrophin; minus strand). Cytogenetic location: Xp21.2.
Variant type: single nucleotide variant.
Coding change: c.10916C>T on transcript NM_004006.3 (MANE Select); coding-DNA position 10916, C replaced by T.
Protein change: p.Ser3639Phe; replaces serine 3639 with phenylalanine.
Molecular consequence: missense variant.
Genome position (GRCh38, 1-based): chrX:31,146,296, G>A on the plus strand (C>T on the coding strand, the complement: DMD is on the minus strand). VCF-style: chrX-31146296-G-A. GRCh37 (hg19) VCF-style: chrX-31164413-G-A.
Other names: c.10892C>T, p.Ser3631Phe (NM_000109.4); c.10904C>T, p.Ser3635Phe (NM_004009.3); c.10547C>T, p.Ser3516Phe (NM_004010.3); c.6893C>T, p.Ser2298Phe (NM_004011.4); c.6884C>T, p.Ser2295Phe (NM_004012.4); c.3536C>T, p.Ser1179Phe (NM_004013.3, NM_004021.3); c.2729C>T, p.Ser910Phe (NM_004014.3); c.1712C>T, p.Ser571Phe (NM_004015.3, NM_004016.3); and 3 more; short protein forms S1179F, S3631F, S3516F, S3635F, S3639F, S910F, S1069F, S1166F.
Identifiers: ClinVar variation 2709226 (VCV002709226.3), dbSNP rs2519416882, ClinGen allele CA412648470.
Genomic context (GRCh38, chrX:31,146,296, plus strand): 5'-ATACGACTCTACCTTTCTTCAGACAACAAAATCTGAGAGTAGCTAGGACACTTACCCATG[G>A]AGTCCGAAGTTTGACTGCCAACCACTCGGAGCAGCATAGGCTGACTGCTGTCGGACCTCT-3'
Protein context (NP_003997.2, residues 3629-3649): LRVVGSQTSD[Ser3639Phe]MGEEDLLSPP